The following is an entry in ClinVar:

NM_004618.5(TOP3A):c.525A>C (p.Arg175=)

Gene: TOP3A (DNA topoisomerase III alpha; minus strand). Cytogenetic location: 17p11.2.
Variant type: single nucleotide variant.
Coding change: c.525A>C on transcript NM_004618.5 (MANE Select); coding-DNA position 525, A replaced by C.
Protein change: p.Arg175=; no amino-acid change (arginine 175 retained).
Molecular consequence: synonymous variant.
Genome position (GRCh38, 1-based): chr17:18,302,698, T>G on the plus strand (A>C on the coding strand, the complement: TOP3A is on the minus strand). VCF-style: chr17-18302698-T-G. GRCh37 (hg19) VCF-style: chr17-18206012-T-G.
Other names: c.240A>C, p.Arg80= (NM_001320759.2).
Identifiers: ClinVar variation 2647553 (VCV002647553.24), dbSNP rs780455522, ClinGen allele CA498435196.

ClinVar aggregate classification (germline): Likely benign (1 of 4 stars; one submission).

Submission:

CeGaT Center for Human Genetics Tuebingen
Classification: Likely benign. Last evaluated: 2023-04-01. Review status: criteria provided, single submitter. Criteria: CeGaT Center For Human Genetics Tuebingen Variant Classification Criteria Version 2. Collection method: clinical testing. Allele origin: germline. Affected: yes. Observed: 1 variant allele.
Comment: TOP3A: PM2:Supporting, BP4, BP7